The following is an entry in ClinVar:

NM_001035.3(RYR2):c.10478A>G (p.Lys3493Arg)

Gene: RYR2 (ryanodine receptor 2; plus strand). Cytogenetic location: 1q43.
Variant type: single nucleotide variant.
Coding change: c.10478A>G on transcript NM_001035.3 (MANE Select); coding-DNA position 10478, A replaced by G.
Protein change: p.Lys3493Arg; replaces lysine 3493 with arginine.
Molecular consequence: missense variant.
Genome position (GRCh38, 1-based): chr1:237,717,352, A>G. VCF-style: chr1-237717352-A-G. GRCh37 (hg19) VCF-style: chr1-237880652-A-G.
Other names: short protein forms K3493R.
Identifiers: ClinVar variation 1486702 (VCV001486702.9), dbSNP rs2149100952, ClinGen allele CA345414873.

ClinVar aggregate classification (germline): Uncertain significance (1 of 4 stars; one submission).

Conditions:
Catecholaminergic polymorphic ventricular tachycardia 1. Also called: VENTRICULAR TACHYCARDIA, CATECHOLAMINERGIC POLYMORPHIC, 1, WITH OR WITHOUT ATRIAL DYSFUNCTION AND/OR DILATED CARDIOMYOPATHY; VENTRICULAR TACHYCARDIA, STRESS-INDUCED POLYMORPHIC 1; RYR2-Related Catecholaminergic Polymorphic Ventricular Tachycardia. Identifiers: Orphanet 3286, MedGen C1631597, MONDO:0011484, OMIM 604772.

Submission:

Labcorp Genetics (formerly Invitae), Labcorp
Classification: Uncertain significance for Catecholaminergic polymorphic ventricular tachycardia 1. Last evaluated: 2021-05-11. Review status: criteria provided, single submitter. Criteria: Invitae Variant Classification Sherloc (09022015). Collection method: clinical testing. Allele origin: germline.
Comment: Advanced modeling of protein sequence and biophysical properties (such as structural, functional, and spatial information, amino acid conservation, physicochemical variation, residue mobility, and thermodynamic stability) performed at Invitae indicates that this missense variant is expected to disrupt RYR2 protein function. This variant has not been reported in the literature in individuals with RYR2-related conditions. This variant is not present in population databases (ExAC no frequency). This sequence change replaces lysine with arginine at codon 3493 of the RYR2 protein (p.Lys3493Arg). The lysine residue is highly conserved and there is a small physicochemical difference between lysine and arginine. Algorithms developed to predict the effect of sequence changes on RNA splicing suggest that this variant may create or strengthen a splice site, but this prediction has not been confirmed by published transcriptional studies. In summary, the available evidence is currently insufficient to determine the role of this variant in disease. Therefore, it has been classified as a Variant of Uncertain Significance.